The following is an entry in ClinVar:

ClinVar aggregate classification (germline): Pathogenic. Review status: criteria provided, multiple submitters, no conflicts (2 of 4 stars). 2 submissions from 2 submitters: Pathogenic (2). Last evaluated 2025-08-21.

Conditions:
Periodontitis, aggressive. Identifiers: MedGen C0031106, MONDO:0980757.
Papillon-Lefèvre syndrome (PALS). Also called: KERATOSIS PALMOPLANTARIS WITH PERIODONTOPATHIA; Papillon-Lefevre Disease. Identifiers: Orphanet 678, MedGen C0030360, MONDO:0009490, OMIM 245000.
Haim-Munk syndrome (HMS). Also called: COCHIN JEWISH DISORDER; KERATOSIS PALMOPLANTARIS WITH PERIODONTOPATHIA AND ONYCHOGRYPOSIS. Identifiers: Orphanet 2342, MedGen C1855627, MONDO:0009491, OMIM 245010.

Allele frequency attached by ClinVar (database versions not stated): ExAC 0.00001.
gnomAD v4.1: 5 of 1,614,082 alleles (0.00031%); highest among the groups gnomAD compares: Middle Eastern, 0.016%; no homozygotes.

Submissions (2):

Labcorp Genetics (formerly Invitae), Labcorp
Classification: Pathogenic for Haim-Munk syndrome; Periodontitis, aggressive; Papillon-Lefèvre syndrome. Last evaluated: 2025-08-21. Review status: criteria provided, single submitter. Criteria: Invitae Variant Classification Sherloc (09022015). Collection method: clinical testing. Allele origin: germline.
Comment: This sequence change affects an acceptor splice site in intron 2 of the CTSC gene. It is expected to disrupt RNA splicing. Variants that disrupt the donor or acceptor splice site typically lead to a loss of protein function (PMID: 16199547), and loss-of-function variants in CTSC are known to be pathogenic (PMID: 10662808, 11106356, 11886537). This variant is present in population databases (rs754779432, gnomAD 0.003%). Disruption of this splice site has been observed in individual(s) with Papillon-Lefevre syndrome (PMID: 15606524; internal data). It has also been observed to segregate with disease in related individuals. ClinVar contains an entry for this variant (Variation ID: 2137220). Algorithms developed to predict the effect of sequence changes on RNA splicing suggest that this variant may disrupt the consensus splice site. For these reasons, this variant has been classified as Pathogenic.

GeneDx
Classification: Pathogenic. Last evaluated: 2023-06-29. Review status: criteria provided, single submitter. Criteria: GeneDx Variant Classification Process June 2021. Collection method: clinical testing. Allele origin: germline. Affected: yes.
Comment: Canonical splice site variant predicted to result in a null allele in a gene for which loss of function is a known mechanism of disease; Not observed at significant frequency in large population cohorts (gnomAD); This variant is associated with the following publications: (PMID: 15606524, 16301152, 36058494)

Literature cited by the submitters: PubMed 16199547 (cited by Labcorp Genetics (formerly Invitae), Labcorp); PubMed 10662808 (cited by Labcorp Genetics (formerly Invitae), Labcorp); PubMed 11106356 (cited by Labcorp Genetics (formerly Invitae), Labcorp); PubMed 11886537 (cited by Labcorp Genetics (formerly Invitae), Labcorp); PubMed 15606524 (cited by Labcorp Genetics (formerly Invitae), Labcorp).

NM_001814.6(CTSC):c.319-1G>A

Gene: CTSC (cathepsin C; minus strand). Cytogenetic location: 11q14.2.
Variant type: single nucleotide variant.
Coding change: c.319-1G>A on transcript NM_001814.6 (MANE Select); the canonical splice acceptor site of the intron before coding-DNA position 319, G replaced by A.
Molecular consequence: splice acceptor variant.
Genome position (GRCh38, 1-based): chr11:88,312,555, C>T on the plus strand (G>A on the coding strand, the complement: CTSC is on the minus strand). VCF-style: chr11-88312555-C-T. GRCh37 (hg19) VCF-style: chr11-88045723-C-T.
Identifiers: ClinVar variation 2137220 (VCV002137220.5), dbSNP rs754779432, ClinGen allele CA6219979.
Genomic context (GRCh38, chr11:88,312,555, plus strand): 5'-CACCCACCCAGTCATTGTCTCGTTGCAGTAAGTGGTCACCTTGCTGCCCTCTTCTTTATA[C>T]TGCAAACAAATAAGAGAAAAGAAAACCAAGTAAAATCTGTCTTCAAATTTCAGGTCCATT-3'